The following is an entry in ClinVar:

ClinVar aggregate classification (germline): Uncertain significance (1 of 4 stars; one submission).

Conditions:
RASopathy. Also called: rasopathies; Noonan spectrum disorder. Identifiers: Orphanet 536391, MedGen C5555857, MONDO:0021060.

Submission:

Labcorp Genetics (formerly Invitae), Labcorp
Classification: Uncertain significance for RASopathy. Last evaluated: 2025-11-11. Review status: criteria provided, single submitter. Criteria: Invitae Variant Classification Sherloc (09022015). Collection method: clinical testing. Allele origin: germline.
Comment: This sequence change replaces methionine, which is neutral and non-polar, with valine, which is neutral and non-polar, at codon 650 of the BRAF protein (p.Met650Val). This variant is not present in population databases (gnomAD no frequency). This variant has not been reported in the literature in individuals affected with BRAF-related conditions. Invitae Evidence Modeling of protein sequence and biophysical properties (such as structural, functional, and spatial information, amino acid conservation, physicochemical variation, residue mobility, and thermodynamic stability) indicates that this missense variant is not expected to disrupt BRAF protein function with a negative predictive value of 80%. In summary, the available evidence is currently insufficient to determine the role of this variant in disease. Therefore, it has been classified as a Variant of Uncertain Significance.

NM_004333.6(BRAF):c.1948A>G (p.Met650Val)

Gene: BRAF (B-Raf proto-oncogene, serine/threonine kinase; minus strand). Cytogenetic location: 7q34.
Variant type: single nucleotide variant.
Coding change: c.1948A>G on transcript NM_004333.6 (MANE Select); coding-DNA position 1948, A replaced by G.
Protein change: p.Met650Val; replaces methionine 650 with valine.
Molecular consequence: missense variant.
Genome position (GRCh38, 1-based): chr7:140,749,331, T>C on the plus strand (A>G on the coding strand, the complement: BRAF is on the minus strand). VCF-style: chr7-140749331-T-C. GRCh37 (hg19) VCF-style: chr7-140449131-T-C.
Other names: c.1948A>G, p.Met650Val (NM_001354609.2, NM_001378468.1, NM_001378474.1); c.2068A>G, p.Met690Val (NM_001374244.1, NM_001374258.1); c.1957A>G, p.Met653Val (NM_001378467.1); c.1882A>G, p.Met628Val (NM_001378469.1); c.1846A>G, p.Met616Val (NM_001378470.1); c.1837A>G, p.Met613Val (NM_001378471.1); c.1792A>G, p.Met598Val (NM_001378472.1, NM_001378473.1); c.1684A>G, p.Met562Val (NM_001378475.1); short protein forms M616V, M690V, M598V, M613V, M653V, M562V, M628V, M650V.
Identifiers: ClinVar variation 4739946 (VCV004739946.1).